The following is an entry in ClinVar:

NM_004789.4(LHX2):c.407A>G (p.Tyr136Cys)

Gene: LHX2 (LIM homeobox 2; plus strand). Cytogenetic location: 9q33.3.
Variant type: single nucleotide variant.
Coding change: c.407A>G on transcript NM_004789.4 (MANE Select); coding-DNA position 407, A replaced by G.
Protein change: p.Tyr136Cys; replaces tyrosine 136 with cysteine.
Molecular consequence: missense variant.
Genome position (GRCh38, 1-based): chr9:124,015,205, A>G. VCF-style: chr9-124015205-A-G. GRCh37 (hg19) VCF-style: chr9-126777484-A-G.
Other names: short protein forms Y136C.
Identifiers: ClinVar variation 4871850 (VCV004871850.1).
Genomic context (GRCh38, chr9:124,015,205, plus strand): 5'-CCCGCTGCCACCTGGGCATCTCGGCCTCGGAGATGGTGATGCGCGCTCGGGACTTGGTTT[A>G]TCACCTCAACTGCTTCACGTGCACCACGTGTAACAAGATGCTGACCACGGGCGACCACTT-3'
Protein context (NP_004780.3, residues 126-146): EMVMRARDLV[Tyr136Cys]HLNCFTCTTC

ClinVar aggregate classification (germline): Uncertain significance (1 of 4 stars; one submission).

Conditions:
Complex neurodevelopmental disorder. Identifiers: Orphanet 528084, MedGen C5568766, MONDO:0100038.

Submission:

Institute of Human Genetics, University of Goettingen
Classification: Uncertain significance for Complex neurodevelopmental disorder. Last evaluated: 2026-05-13. Review status: criteria provided, single submitter. Criteria: ACMG Guidelines, 2015. Collection method: clinical testing. Allele origin: germline. Inheritance: Autosomal dominant inheritance. Affected: yes. Observed: 1 variant allele, 1 heterozygote.
Comment: The variant c.407A>G (p.(Tyr136Cys)) in exon 3 of the LHX2-gene is not found in the gnomAD database, it affects a highly conserved nucleotide, and a highly conserved amino acid and there is a large physicochemical difference between Tyr and Cys. This variant has a pathogenic computational verdict based on in silico prediction algorithms. The variant is located in a critical and well-established functional domain. ACMG criteria used for classification: PM2_sup, PP3_mod. PM1